The following is an entry in ClinVar:

NM_001868.4(CPA1):c.1133C>A (p.Thr378Asn)

Gene: CPA1 (carboxypeptidase A1; plus strand). Cytogenetic location: 7q32.2.
Variant type: single nucleotide variant.
Coding change: c.1133C>A on transcript NM_001868.4 (MANE Select); coding-DNA position 1133, C replaced by A.
Protein change: p.Thr378Asn; replaces threonine 378 with asparagine.
Molecular consequence: missense variant.
Genome position (GRCh38, 1-based): chr7:130,387,884, C>A. VCF-style: chr7-130387884-C-A. GRCh37 (hg19) VCF-style: chr7-130027725-C-A.
Other names: short protein forms T378N.
Identifiers: ClinVar variation 3221798 (VCV003221798.1), dbSNP rs1562968819, ClinGen allele CA369284310.

ClinVar aggregate classification (germline): Uncertain significance (1 of 4 stars; one submission).

Conditions:
Hereditary pancreatitis (PCTT). Also called: Hereditary chronic pancreatitis; PRSS1-Related Hereditary Pancreatitis. Identifiers: Orphanet 676, MedGen C0238339, MONDO:0008185, OMIM 167800.

Allele frequency attached by ClinVar (database versions not stated): gnomAD exomes below 0.00001.
gnomAD v4.1: 1 of 1,614,168 alleles (0.000062%); highest among the groups gnomAD compares: Non-Finnish European, 0.000085%; no homozygotes.

Submission:

Ambry Genetics
Classification: Uncertain significance for Hereditary pancreatitis. Last evaluated: 2023-10-01. Review status: criteria provided, single submitter. Criteria: Ambry Variant Classification Scheme 2023. Collection method: clinical testing. Allele origin: germline.
Comment: The p.T378N variant (also known as c.1133C>A), located in coding exon 10 of the CPA1 gene, results from a C to A substitution at nucleotide position 1133. The threonine at codon 378 is replaced by asparagine, an amino acid with similar properties. This amino acid position is conserved. In addition, this alteration is predicted to be tolerated by in silico analysis. Since supporting evidence is limited at this time, the clinical significance of this alteration remains unclear.